The following is an entry in ClinVar:

ClinVar aggregate classification (germline): Uncertain significance (1 of 4 stars; one submission).

Allele frequency attached by ClinVar (database versions not stated): gnomAD exomes below 0.00001.
gnomAD v4.1: 1 of 1,551,242 alleles (0.000064%); highest among the groups gnomAD compares: South Asian, 0.0012%; no homozygotes.

Submission:

Labcorp Genetics (formerly Invitae), Labcorp
Classification: Uncertain significance. Last evaluated: 2021-07-18. Review status: criteria provided, single submitter. Criteria: Invitae Variant Classification Sherloc (09022015). Collection method: clinical testing. Allele origin: germline.
Comment: This sequence change replaces histidine with arginine at codon 240 of the DTHD1 protein (p.His240Arg). The histidine residue is moderately conserved and there is a small physicochemical difference between histidine and arginine. This variant is not present in population databases (ExAC no frequency). This variant has not been reported in the literature in individuals affected with DTHD1-related conditions. Algorithms developed to predict the effect of missense changes on protein structure and function (SIFT, PolyPhen-2, Align-GVGD) all suggest that this variant is likely to be tolerated. In summary, the available evidence is currently insufficient to determine the role of this variant in disease. Therefore, it has been classified as a Variant of Uncertain Significance.

NM_001170700.3(DTHD1):c.1589A>G (p.His530Arg)

Gene: DTHD1 (death domain containing 1; plus strand). Cytogenetic location: 4p14.
Variant type: single nucleotide variant.
Coding change: c.1589A>G on transcript NM_001170700.3 (MANE Select); coding-DNA position 1589, A replaced by G.
Protein change: p.His530Arg; replaces histidine 530 with arginine.
Molecular consequence: missense variant. On other transcripts: non-coding transcript variant (2).
Genome position (GRCh38, 1-based): chr4:36,294,985, A>G. VCF-style: chr4-36294985-A-G. GRCh37 (hg19) VCF-style: chr4-36296607-A-G.
Other names: c.719A>G, p.His240Arg (NM_001136536.5); c.656A>G, p.His219Arg (NM_001378435.1); short protein forms H219R, H530R, H240R.
Identifiers: ClinVar variation 1522708 (VCV001522708.8), dbSNP rs2109464857, ClinGen allele CA356680139.